The following is an entry in ClinVar:

ClinVar aggregate classification (germline): Uncertain significance (1 of 4 stars; one submission).

Conditions:
Very long chain acyl-CoA dehydrogenase deficiency (ACADVLD). Also called: Very Long-Chain Acyl-Coenzyme A Dehydrogenase Deficiency; VLCAD Deficiency. Identifiers: Orphanet 26793, MedGen C3887523, MONDO:0008723, OMIM 201475.

gnomAD v4.1: 8 of 1,614,070 alleles (0.0005%); highest among the groups gnomAD compares: Non-Finnish European, 0.00068%; no homozygotes.

Submission:

Labcorp Genetics (formerly Invitae), Labcorp
Classification: Uncertain significance for Very long chain acyl-CoA dehydrogenase deficiency. Last evaluated: 2023-12-11. Review status: criteria provided, single submitter. Criteria: Invitae Variant Classification Sherloc (09022015). Collection method: clinical testing. Allele origin: germline.
Comment: This sequence change replaces glutamic acid, which is acidic and polar, with aspartic acid, which is acidic and polar, at codon 130 of the ACADVL protein (p.Glu130Asp). This variant is not present in population databases (gnomAD no frequency). This variant has not been reported in the literature in individuals affected with ACADVL-related conditions. ClinVar contains an entry for this variant (Variation ID: 2158425). Advanced modeling of protein sequence and biophysical properties (such as structural, functional, and spatial information, amino acid conservation, physicochemical variation, residue mobility, and thermodynamic stability) performed at Invitae indicates that this missense variant is not expected to disrupt ACADVL protein function with a negative predictive value of 80%. In summary, the available evidence is currently insufficient to determine the role of this variant in disease. Therefore, it has been classified as a Variant of Uncertain Significance.

NM_000018.4(ACADVL):c.390G>C (p.Glu130Asp)

Gene: ACADVL (acyl-CoA dehydrogenase very long chain; plus strand). Cytogenetic location: 17p13.1.
Variant type: single nucleotide variant.
Coding change: c.390G>C on transcript NM_000018.4 (MANE Select); coding-DNA position 390, G replaced by C.
Protein change: p.Glu130Asp; replaces glutamic acid 130 with aspartic acid.
Molecular consequence: missense variant.
Genome position (GRCh38, 1-based): chr17:7,220,971, G>C. VCF-style: chr17-7220971-G-C. GRCh37 (hg19) VCF-style: chr17-7124290-G-C.
Other names: c.324G>C, p.Glu108Asp (NM_001033859.3); c.459G>C, p.Glu153Asp (NM_001270447.2); c.162G>C, p.Glu54Asp (NM_001270448.2); short protein forms E130D, E153D, E108D, E54D.
Identifiers: ClinVar variation 2158425 (VCV002158425.3), dbSNP rs2142969071, ClinGen allele CA397722804.
Genomic context (GRCh38, chr17:7,220,971, plus strand): 5'-GTGCCTTCCCCAGGAAGTGAACGATCCCGCCAAGAATGACGCTCTGGAGATGGTGGAGGA[G>C]ACCACTTGGCAGGGCCTCAAGGAGCTGGGGGCCTTTGGTCTGCAAGTGCCCAGTGAGCTG-3'
Protein context (NP_000009.1, residues 120-140): AKNDALEMVE[Glu130Asp]TTWQGLKELG